The following is an entry in ClinVar:

ClinVar aggregate classification (germline): Likely benign (1 of 4 stars; one submission).

Conditions:
PKD1-related disorder. Also called: PKD1-related condition.

gnomAD v4.1: 43 of 1,566,400 alleles (0.0027%); highest among the groups gnomAD compares: Middle Eastern, 0.017%; no homozygotes.

Submission:

PreventionGenetics, part of Exact Sciences
Classification: Likely benign for PKD1-related condition. Last evaluated: 2026-06-04. Review status: criteria provided, single submitter. Criteria: ACMG Guidelines, 2015. Collection method: clinical testing. Allele origin: germline.
Comment: This variant is classified as likely benign based on ACMG/AMP sequence variant interpretation guidelines (Richards et al. 2015 PMID: 25741868, with internal and published modifications).

NM_001009944.3(PKD1):c.10779C>T (p.Ser3593=)

Genes: PKD1 (polycystin 1, transient receptor potential channel interacting; minus strand), PKD1-AS1 (PKD1 antisense RNA 1; plus strand). Cytogenetic location: 16p13.3.
Variant type: single nucleotide variant.
Coding change: c.10779C>T on transcript NM_001009944.3 (MANE Select); coding-DNA position 10779, C replaced by T.
Protein change: p.Ser3593=; no amino-acid change (serine 3593 retained).
Molecular consequence: synonymous variant.
Genome position (GRCh38, 1-based): chr16:2,093,853, G>A on the plus strand (C>T on the coding strand, the complement: PKD1 is on the minus strand). VCF-style: chr16-2093853-G-A. GRCh37 (hg19) VCF-style: chr16-2143854-G-A.
Other names: c.10776C>T, p.Ser3592= (NM_000296.4).
Identifiers: ClinVar variation 4977703 (VCV004977703.1).